The following is an entry in ClinVar:

NM_004006.3(DMD):c.673AAG[1] (p.Lys226del)

Gene: DMD (dystrophin; minus strand). Cytogenetic location: Xp21.1.
Variant type: Microsatellite.
Coding change: c.673AAG[1] on transcript NM_004006.3 (MANE Select); one copy of the 3-base unit AAG starting at c.673; the reference has two copies in a row; one copy, 3 bases deleted; also written c.676_678del.
Protein change: p.Lys226del; deletes lysine 226.
Molecular consequence: inframe deletion.
Genome position (GRCh38, 1-based): chrX:32,699,265-32,699,267, CTT deleted on the plus strand (AAG on the coding strand, the reverse complement: DMD is on the minus strand); deleting any 3 consecutive bases within chrX:32,699,265-32,699,270 gives the same sequence; the position shown is the placement nearest the transcript's 3' end. VCF-style (leftmost placement, unchanged base first): chrX-32699264-ACTT-A. GRCh37 (hg19) VCF-style: chrX-32717381-ACTT-A.
Other names: c.676_678del (NM_004006.3); c.649AAG[1], p.Lys218del (NM_000109.4); c.661AAG[1], p.Lys222del (NM_004009.3); c.304AAG[1], p.Lys103del (NM_004010.3); c.676_678delAAG (NM_004006.2); short protein forms K226del, K218del, K103del, K222del.
Identifiers: ClinVar variation 94746 (VCV000094746.11), dbSNP rs398124034, ClinGen allele CA267114.
Genomic context (GRCh38, chrX:32,699,264, plus strand): 5'-CTTCAATGCTCACTTGTTGAGGCAAAACTTGGAAGAGTGATGTGATGTACATTAAGATGG[ACTT>A]CTTATCTGGATAGGTGGTATCAACATCTGTAAGCACATTAACACTACACATCAATTTTTG-3'

ClinVar aggregate classification (germline): Pathogenic/Likely pathogenic. Review status: criteria provided, multiple submitters, no conflicts (2 of 4 stars). 5 submissions from 5 submitters: Pathogenic (3); Likely pathogenic (2). Last evaluated 2025-10-23.

Conditions:
Becker muscular dystrophy (BMD). Also called: Becker Muscular Dystrophy (BMD); MUSCULAR DYSTROPHY, PSEUDOHYPERTROPHIC PROGRESSIVE, BECKER TYPE. Identifiers: Orphanet 98895, MedGen C0917713, MONDO:0010311, OMIM 300376.
Duchenne muscular dystrophy (DMD). Also called: Duchenne Muscular Dystrophy (DMD); MUSCULAR DYSTROPHY, PSEUDOHYPERTROPHIC PROGRESSIVE, DUCHENNE TYPE. Identifiers: Orphanet 98896, MedGen C0013264, MONDO:0010679, OMIM 310200.

Submissions (5):

Labcorp Genetics (formerly Invitae), Labcorp
Classification: Pathogenic for Duchenne muscular dystrophy. Last evaluated: 2025-10-23. Review status: criteria provided, single submitter. Criteria: Invitae Variant Classification Sherloc (09022015). Collection method: clinical testing. Allele origin: germline.
Comment: This variant, c.676_678del, results in the deletion of 1 amino acid(s) of the DMD protein (p.Lys226del), but otherwise preserves the integrity of the reading frame. This variant is not present in population databases (gnomAD no frequency). This variant has been observed in individuals with Becker/Duchenne muscular dystrophy (PMID: 19760747, 20485447, 21515508, 27582364). It has also been observed to segregate with disease in related individuals. ClinVar contains an entry for this variant (Variation ID: 94746). Experimental studies and prediction algorithms are not available or were not evaluated, and the functional significance of this variant is currently unknown. For these reasons, this variant has been classified as Pathogenic.

3billion
Classification: Likely pathogenic for Becker muscular dystrophy. Last evaluated: 2024-01-24. Review status: criteria provided, single submitter. Criteria: ACMG Guidelines, 2015. Collection method: clinical testing. Allele origin: germline. Affected: yes.
Comment: The variant is not observed in the gnomAD v2.1.1 dataset. Predicted Consequence/Location: Inframe deletion located in a nonrepeat region: predicted to change the length of the protein and disrupt normal protein function. The variant has been reported at least twice as pathogenic with clinical assertions and evidence for the classification (ClinVar ID: VCV000094746 /PMID: 19760747). Therefore, this variant is classified as Likely pathogenic according to the recommendation of ACMG/AMP guideline.

Revvity Omics, Revvity
Classification: Likely pathogenic. Last evaluated: 2023-11-22. Review status: criteria provided, single submitter. Criteria: ACMG Guidelines, 2015. Collection method: clinical testing. Allele origin: germline.

GeneDx
Classification: Pathogenic. Last evaluated: 2023-07-07. Review status: criteria provided, single submitter. Criteria: GeneDx Variant Classification Process June 2021. Collection method: clinical testing. Allele origin: germline. Affected: yes.
Comment: Published functional studies demonstrate decreased dystrophin on Western blot (Aartsma-Rus et al., 2006); In-frame deletion of 1 amino acids in a non-repeat region predicted to critically alter the protein length. Deleted amino acid residue is predicted to be within the CH domain 2 in the actin binding domain; In silico analysis supports a deleterious effect on protein structure/function; Not observed at significant frequency in large population cohorts (gnomAD); This variant is associated with the following publications: (PMID: 21515508, 19937601, 27582364, 20485447, 33101180, 33644936, 29973226, 19760747)

Eurofins Ntd Llc (ga)
Classification: Pathogenic. Last evaluated: 2016-01-21. Review status: criteria provided, single submitter. Criteria: EGL Classification Definitions 2015. Collection method: clinical testing. Allele origin: germline. Observed: 2 variant alleles, 2 hemizygotes.

Literature cited by the submitters: PubMed 19760747 (cited by Labcorp Genetics (formerly Invitae), Labcorp and 3billion); PubMed 20485447 (cited by Labcorp Genetics (formerly Invitae), Labcorp and Eurofins Ntd Llc (ga)); PubMed 21515508 (cited by Labcorp Genetics (formerly Invitae), Labcorp); PubMed 27582364 (cited by Labcorp Genetics (formerly Invitae), Labcorp).